The following is an entry in ClinVar:

ClinVar aggregate classification (germline): Pathogenic/Likely pathogenic. Review status: criteria provided, multiple submitters, no conflicts (2 of 4 stars). 3 submissions from 3 submitters: Pathogenic (2); Likely pathogenic (1). Last evaluated 2024-05-02.

Conditions:
Deficiency of acetyl-CoA acetyltransferase. Also called: Beta-ketothiolase deficiency; 3-KETOTHIOLASE DEFICIENCY; 3-OXOTHIOLASE DEFICIENCY; MITOCHONDRIAL ACETOACETYL-CoA THIOLASE DEFICIENCY. Identifiers: Orphanet 134, MedGen C1536500, MONDO:0008760, OMIM 203750. Disease mechanism: loss of function.

Submissions (3):

Fulgent Genetics
Classification: Likely pathogenic for Deficiency of acetyl-CoA acetyltransferase. Last evaluated: 2024-05-02. Review status: criteria provided, single submitter. Criteria: ACMG Guidelines, 2015. Collection method: clinical testing. Allele origin: germline.

Labcorp Genetics (formerly Invitae), Labcorp
Classification: Pathogenic for Deficiency of acetyl-CoA acetyltransferase. Last evaluated: 2024-02-01. Review status: criteria provided, single submitter. Criteria: Invitae Variant Classification Sherloc (09022015). Collection method: clinical testing. Allele origin: germline.
Comment: This sequence change creates a premature translational stop signal (p.Lys302Argfs*11) in the ACAT1 gene. It is expected to result in an absent or disrupted protein product. Loss-of-function variants in ACAT1 are known to be pathogenic (PMID: 7749408). This variant is not present in population databases (gnomAD no frequency). This variant has not been reported in the literature in individuals affected with ACAT1-related conditions. ClinVar contains an entry for this variant (Variation ID: 92299). For these reasons, this variant has been classified as Pathogenic.

Eurofins Ntd Llc (ga)
Classification: Pathogenic. Last evaluated: 2012-12-26. Review status: criteria provided, single submitter. Criteria: EGL Classification Definitions. Collection method: clinical testing. Allele origin: germline. Observed: 1 variant allele, 1 heterozygote.

Literature cited by the submitters: PubMed 7749408 (cited by Labcorp Genetics (formerly Invitae), Labcorp).

NM_000019.4(ACAT1):c.905del (p.Lys302fs)

Gene: ACAT1 (acetyl-CoA acetyltransferase 1; plus strand). Cytogenetic location: 11q22.3.
Variant type: Deletion.
Coding change: c.905del on transcript NM_000019.4 (MANE Select); coding-DNA position 905, one base deleted (A; older notation c.905delA).
Protein change: p.Lys302fs; shifts the reading frame from lysine 302.
Molecular consequence: frameshift variant.
Genome position (GRCh38, 1-based): chr11:108,142,515, A deleted; the last of 2 consecutive A bases (chr11:108,142,514-108,142,515); deleting either gives the same sequence. VCF-style (leftmost placement, unchanged base first): chr11-108142513-GA-G. GRCh37 (hg19) VCF-style: chr11-108013240-GA-G.
Other names: c.905del, p.Lys302fs (LRG_1400t1); short protein forms K302fs.
Identifiers: ClinVar variation 92299 (VCV000092299.13), dbSNP rs398123097, ClinGen allele CA220230.